The following is an entry in ClinVar:

NM_001282684.2(KCTD17):c.299-76C>T

Gene: KCTD17 (potassium channel tetramerization domain containing 17; plus strand). Cytogenetic location: 22q12.3.
Variant type: single nucleotide variant.
Coding change: c.299-76C>T on transcript NM_001282684.2 (MANE Select); 76 bases into the intron before coding-DNA position 299, C replaced by T.
Molecular consequence: intron variant.
Genome position (GRCh38, 1-based): chr22:37,056,244, C>T. VCF-style: chr22-37056244-C-T. GRCh37 (hg19) VCF-style: chr22-37452284-C-T.
Other names: c.299-76C>T (NM_024681.4, NM_001282685.2, NM_001282686.2).
Identifiers: ClinVar variation 1686698 (VCV001686698.3), dbSNP rs114214363, ClinGen allele CA324034025.
Genomic context (GRCh38, chr22:37,056,244, plus strand): 5'-CTGAACTCACAGACACTCAGCTCACCCTCAGGGCGGGTGATCAGAGCGAGAGGTGGGTTT[C>T]GGGGTGGAGGGAACAAGAGGAGAATGGGGCATGGAGGCAGAAGGAGTGACCTGGGATCTG-3'

ClinVar aggregate classification (germline): Likely benign. Review status: criteria provided, multiple submitters, no conflicts (2 of 4 stars). 2 submissions from 2 submitters: Likely benign (2). Last evaluated 2021-05-24.

Allele frequency attached by ClinVar (database versions not stated): gnomAD exomes 0.00152; gnomAD 0.01012 and 0.01068; TOPMed 0.01156; 1000 Genomes Project 0.01458; 1000 Genomes Project 30x 0.01515.
gnomAD v4.1: 3,367 of 1,306,270 alleles (0.26%); highest among the groups gnomAD compares: African/African-American, 3.3%; 35 homozygotes.

Submissions (2):

GeneDx
Classification: Likely benign. Last evaluated: 2021-05-24. Review status: criteria provided, single submitter. Criteria: GeneDx Variant Classification Process June 2021. Collection method: clinical testing. Allele origin: germline. Affected: yes.
Comment: See Variant Classification Assertion Criteria.

Breakthrough Genomics
Classification: Likely benign. Review status: criteria provided, single submitter. Criteria: ACMG Guidelines, 2015. Collection method: not provided. Allele origin: germline. Inheritance: Autosomal dominant inheritance. Affected: yes.